The following is an entry in ClinVar:

NM_002528.7(NTHL1):c.698A>T (p.His233Leu)

Gene: NTHL1 (nth like DNA glycosylase 1; minus strand). Cytogenetic location: 16p13.3.
Variant type: single nucleotide variant.
Coding change: c.698A>T on transcript NM_002528.7 (MANE Select); coding-DNA position 698, A replaced by T.
Protein change: p.His233Leu; replaces histidine 233 with leucine.
Molecular consequence: missense variant.
Genome position (GRCh38, 1-based): chr16:2,040,226, T>A on the plus strand (A>T on the coding strand, the complement: NTHL1 is on the minus strand). VCF-style: chr16-2040226-T-A. GRCh37 (hg19) VCF-style: chr16-2090227-T-A.
Other names: c.527A>T, p.His176Leu (NM_001318193.2); c.368A>T, p.His123Leu (NM_001318194.2); c.722A>T (NM_002528.5); short protein forms H123L, H233L, H176L.
Identifiers: ClinVar variation 1463775 (VCV001463775.7), dbSNP rs1469572797, ClinGen allele CA394289315.
Genomic context (GRCh38, chr16:2,040,226, plus strand): 5'-TCCTCTGGGGACTTGGTTGCCTTCTTGGTCCACCTCAGCCTGTTGGCGATTCTGTGCACA[T>A]GCGTGTCCACTGCTGCTGGGAGGCCAAGCGGGGTGAACAGGGGCACACTCCACCAGCCTA-3'
Protein context (NP_002519.2, residues 223-243): GTVSGIAVDT[His233Leu]VHRIANRLRW

ClinVar aggregate classification (germline): Uncertain significance. Review status: criteria provided, multiple submitters, no conflicts (2 of 4 stars). 2 submissions from 2 submitters: Uncertain significance (2). Last evaluated 2025-05-02.

Conditions:
Hereditary cancer-predisposing syndrome. Also called: Tumor predisposition; Hereditary neoplastic syndrome; Hereditary Cancer Syndrome; Neoplastic Syndromes, Hereditary. Identifiers: Orphanet 140162, MedGen C0027672, MeSH D009386, MONDO:0015356.

Submissions (2):

Ambry Genetics
Classification: Uncertain significance for Hereditary cancer-predisposing syndrome. Last evaluated: 2025-05-02. Review status: criteria provided, single submitter. Criteria: Ambry Variant Classification Scheme 2023. Collection method: clinical testing. Allele origin: germline.
Comment: The p.H241L variant (also known as c.722A>T), located in coding exon 5 of the NTHL1 gene, results from an A to T substitution at nucleotide position 722. The histidine at codon 241 is replaced by leucine, an amino acid with similar properties. This amino acid position is conserved. In addition, this alteration is predicted to be deleterious by in silico analysis. Based on the available evidence, the clinical significance of this variant remains unclear.

Labcorp Genetics (formerly Invitae), Labcorp
Classification: Uncertain significance. Last evaluated: 2021-05-18. Review status: criteria provided, single submitter. Criteria: Invitae Variant Classification Sherloc (09022015). Collection method: clinical testing. Allele origin: germline.
Comment: This sequence change replaces histidine with leucine at codon 241 of the NTHL1 protein (p.His241Leu). The histidine residue is highly conserved and there is a moderate physicochemical difference between histidine and leucine. This variant is not present in population databases (ExAC no frequency). This variant has not been reported in the literature in individuals with NTHL1-related conditions. Algorithms developed to predict the effect of missense changes on protein structure and function are either unavailable or do not agree on the potential impact of this missense change (SIFT: "Not Available"; PolyPhen-2: "Probably Damaging"; Align-GVGD: "Not Available"). In summary, the available evidence is currently insufficient to determine the role of this variant in disease. Therefore, it has been classified as a Variant of Uncertain Significance.